The following is an entry in ClinVar:

ClinVar aggregate classification (germline): Likely pathogenic. Review status: criteria provided, multiple submitters, no conflicts (2 of 4 stars). 2 submissions from 2 submitters: Likely pathogenic (2). Last evaluated 2024-05-07.

Conditions:
Early-infantile DEE. Also called: Early infantile epileptic encephalopathy; Ohtahara syndrome; Early infantile epileptic encephalopathy with suppression bursts. Identifiers: Orphanet 1934, MedGen C0393706, MONDO:0800491.
KCNQ2-Related Disorders. Also called: KCNQ2-related disorder; KCNQ2-related condition. Identifiers: MedGen CN169299.

Submissions (2):

Blueprint Genetics
Classification: Likely pathogenic for KCNQ2-related disorders. Last evaluated: 2024-05-07. Review status: criteria provided, single submitter. Criteria: ACMG Guidelines, 2015. Collection method: clinical testing. Allele origin: germline. Affected: yes. Observed: 1 variant allele.

Labcorp Genetics (formerly Invitae), Labcorp
Classification: Likely pathogenic for Early-infantile DEE. Last evaluated: 2022-12-07. Review status: criteria provided, single submitter. Criteria: Invitae Variant Classification Sherloc (09022015). Collection method: clinical testing. Allele origin: germline.
Comment: In summary, the currently available evidence indicates that the variant is pathogenic, but additional data are needed to prove that conclusively. Therefore, this variant has been classified as Likely Pathogenic. Algorithms developed to predict the effect of sequence changes on RNA splicing suggest that this variant may disrupt the consensus splice site. This variant has not been reported in the literature in individuals affected with KCNQ2-related conditions. This variant is not present in population databases (gnomAD no frequency). This sequence change affects an acceptor splice site in intron 5 of the KCNQ2 gene. It is expected to disrupt RNA splicing. Variants that disrupt the donor or acceptor splice site typically lead to a loss of protein function (PMID: 16199547), and loss-of-function variants in KCNQ2 are known to be pathogenic (PMID: 14534157, 23692823, 27779742).

Literature cited by the submitters: PubMed 16199547 (cited by Labcorp Genetics (formerly Invitae), Labcorp); PubMed 14534157 (cited by Labcorp Genetics (formerly Invitae), Labcorp); PubMed 23692823 (cited by Labcorp Genetics (formerly Invitae), Labcorp); PubMed 27779742 (cited by Labcorp Genetics (formerly Invitae), Labcorp).

NM_172107.4(KCNQ2):c.817-2A>G

Gene: KCNQ2 (potassium voltage-gated channel subfamily Q member 2; minus strand). Cytogenetic location: 20q13.33.
Variant type: single nucleotide variant.
Coding change: c.817-2A>G on transcript NM_172107.4 (MANE Select); the canonical splice acceptor site of the intron before coding-DNA position 817, A replaced by G.
Molecular consequence: splice acceptor variant.
Genome position (GRCh38, 1-based): chr20:63,439,710, T>C on the plus strand (A>G on the coding strand, the complement: KCNQ2 is on the minus strand). VCF-style: chr20-63439710-T-C. GRCh37 (hg19) VCF-style: chr20-62071063-T-C.
Other names: c.817-2A>G (NM_004518.6, NM_172108.5, NM_172106.3 and 2 more transcripts).
Identifiers: ClinVar variation 2819107 (VCV002819107.4), dbSNP rs2516421256, ClinGen allele CA409652788.